The following is an entry in ClinVar:

NM_005751.5(AKAP9):c.1320G>A (p.Met440Ile)

Gene: AKAP9 (A-kinase anchoring protein 9; plus strand). Cytogenetic location: 7q21.2.
Variant type: single nucleotide variant.
Coding change: c.1320G>A on transcript NM_005751.5 (MANE Select); coding-DNA position 1320, G replaced by A.
Protein change: p.Met440Ile; replaces methionine 440 with isoleucine.
Molecular consequence: missense variant.
Genome position (GRCh38, 1-based): chr7:92,001,237, G>A. VCF-style: chr7-92001237-G-A. GRCh37 (hg19) VCF-style: chr7-91630551-G-A.
Other names: c.1320G>A, p.Met440Ile (NM_147185.3); short protein forms M440I.
Identifiers: ClinVar variation 2117533 (VCV002117533.4), dbSNP rs1562958498, ClinGen allele CA368121507.

ClinVar aggregate classification (germline): Uncertain significance (1 of 4 stars; one submission).

Conditions:
Long QT syndrome (LQTS). Identifiers: MedGen C0023976, MeSH D008133, MONDO:0002442. Disease mechanism: loss of function. Inheritance: Various modes of inheritance.

Allele frequency attached by ClinVar (database versions not stated): gnomAD exomes below 0.00001.
gnomAD v4.1: 2 of 1,613,956 alleles (0.00012%); highest among the groups gnomAD compares: African/African-American, 0.0013%; no homozygotes.

Submission:

Labcorp Genetics (formerly Invitae), Labcorp
Classification: Uncertain significance for Long QT syndrome. Last evaluated: 2022-04-02. Review status: criteria provided, single submitter. Criteria: Invitae Variant Classification Sherloc (09022015). Collection method: clinical testing. Allele origin: germline.
Comment: This variant is not present in population databases (gnomAD no frequency). This sequence change replaces methionine, which is neutral and non-polar, with isoleucine, which is neutral and non-polar, at codon 440 of the AKAP9 protein (p.Met440Ile). In summary, the available evidence is currently insufficient to determine the role of this variant in disease. Therefore, it has been classified as a Variant of Uncertain Significance. Algorithms developed to predict the effect of missense changes on protein structure and function are either unavailable or do not agree on the potential impact of this missense change (SIFT: "Deleterious"; PolyPhen-2: "Probably Damaging"; Align-GVGD: "Class C0"). This variant has not been reported in the literature in individuals affected with AKAP9-related conditions.